The following is an entry in ClinVar:

NM_000245.4(MET):c.2266G>A (p.Gly756Ser)

Gene: MET (MET proto-oncogene, receptor tyrosine kinase; plus strand). Cytogenetic location: 7q31.2.
Variant type: single nucleotide variant.
Coding change: c.2266G>A on transcript NM_000245.4 (MANE Select); coding-DNA position 2266, G replaced by A.
Protein change: p.Gly756Ser; replaces glycine 756 with serine.
Molecular consequence: missense variant.
Genome position (GRCh38, 1-based): chr7:116,759,392, G>A. VCF-style: chr7-116759392-G-A. GRCh37 (hg19) VCF-style: chr7-116399446-G-A.
Other names: c.2320G>A, p.Gly774Ser (NM_001127500.3); c.2266G>A, p.Gly756Ser (NM_001324401.3); c.976G>A, p.Gly326Ser (NM_001324402.2); short protein forms G326S, G756S, G774S.
Identifiers: ClinVar variation 1721987 (VCV001721987.5), dbSNP rs2116937477, ClinGen allele CA368981914.
Genomic context (GRCh38, chr7:116,759,392, plus strand): 5'-TACAGTACTTGGTGGAAAGAACCTCTCAACATTGTCAGTTTTCTATTTTGCTTTGCCAGT[G>A]GTGGGAGCACAATAACAGGTGTTGGGAAAAACCTGAATTCAGTTAGTGTCCCGAGAATGG-3'
Protein context (NP_000236.2, residues 746-766): EIHPTKSFIS[Gly756Ser]GSTITGVGKN

ClinVar aggregate classification (germline): Uncertain significance (1 of 4 stars; one submission).

Conditions:
Renal cell carcinoma. Identifiers: Orphanet 217071, MedGen C0007134, MeSH D002292, MONDO:0005086, HP:0005584.

Submission:

Labcorp Genetics (formerly Invitae), Labcorp
Classification: Uncertain significance for Renal cell carcinoma. Last evaluated: 2024-04-29. Review status: criteria provided, single submitter. Criteria: Invitae Variant Classification Sherloc (09022015). Collection method: clinical testing. Allele origin: germline.
Comment: This sequence change replaces glycine, which is neutral and non-polar, with serine, which is neutral and polar, at codon 774 of the MET protein (p.Gly774Ser). This variant is not present in population databases (gnomAD no frequency). This variant has not been reported in the literature in individuals affected with MET-related conditions. ClinVar contains an entry for this variant (Variation ID: 1721987). An algorithm developed to predict the effect of missense changes on protein structure and function (PolyPhen-2) suggests that this variant is likely to be disruptive. In summary, the available evidence is currently insufficient to determine the role of this variant in disease. Therefore, it has been classified as a Variant of Uncertain Significance.